The following is an entry in ClinVar:

ClinVar aggregate classification (germline): Uncertain significance (1 of 4 stars; one submission).

Conditions:
Nemaline myopathy 9 (NEM9). Identifiers: MedGen C3810384, MONDO:0014326, OMIM 615731.

Submission:

Labcorp Genetics (formerly Invitae), Labcorp
Classification: Uncertain significance for Nemaline myopathy 9. Last evaluated: 2022-08-21. Review status: criteria provided, single submitter. Criteria: Invitae Variant Classification Sherloc (09022015). Collection method: clinical testing. Allele origin: germline.
Comment: This sequence change replaces glycine, which is neutral and non-polar, with valine, which is neutral and non-polar, at codon 352 of the KLHL41 protein (p.Gly352Val). This variant is not present in population databases (gnomAD no frequency). This variant has not been reported in the literature in individuals affected with KLHL41-related conditions. Algorithms developed to predict the effect of missense changes on protein structure and function (SIFT, PolyPhen-2, Align-GVGD) all suggest that this variant is likely to be disruptive. In summary, the available evidence is currently insufficient to determine the role of this variant in disease. Therefore, it has been classified as a Variant of Uncertain Significance.

NM_006063.3(KLHL41):c.1055G>T (p.Gly352Val)

Gene: KLHL41 (kelch like family member 41; plus strand). Cytogenetic location: 2q31.1.
Variant type: single nucleotide variant.
Coding change: c.1055G>T on transcript NM_006063.3 (MANE Select); coding-DNA position 1055, G replaced by T.
Protein change: p.Gly352Val; replaces glycine 352 with valine.
Molecular consequence: missense variant.
Genome position (GRCh38, 1-based): chr2:169,510,833, G>T. VCF-style: chr2-169510833-G-T. GRCh37 (hg19) VCF-style: chr2-170367343-G-T.
Other names: short protein forms G352V.
Identifiers: ClinVar variation 2418857 (VCV002418857.3), dbSNP rs1323865861, ClinGen allele CA349177850.
Genomic context (GRCh38, chr2:169,510,833, plus strand): 5'-AGATTCCCAGAAATCATTCCAGCATTGTTACCCAGCAAAATCAGATATATGTGGTAGGAG[G>T]ACTATATGTGGATGAAGAAAATAAGGATCAACCTCTACAGTCATACTTCTTCCAGGTAAG-3'
Protein context (NP_006054.2, residues 342-362): TQQNQIYVVG[Gly352Val]LYVDEENKDQ